The following is an entry in ClinVar:

ClinVar aggregate classification (germline): Uncertain significance (0 of 4 stars; one submission).

Conditions:
CHD5-related disorder. Also called: CHD5-related condition.

Allele frequency attached by ClinVar (database versions not stated): gnomAD 0.00001.
gnomAD v4.1: 7 of 1,612,778 alleles (0.00043%); highest among the groups gnomAD compares: South Asian, 0.0011%; no homozygotes.

Submission:

PreventionGenetics, part of Exact Sciences
Classification: Uncertain significance for CHD5-related condition. Last evaluated: 2024-02-13. Review status: no assertion criteria provided. Collection method: clinical testing. Allele origin: germline.
Comment: The CHD5 c.4620C>T variant is not predicted to result in an amino acid change (p.=). This variant is predicted to interfere with splicing by introducing a cryptic splice site at c.4619 (spliceAI and Alamut). To our knowledge, this variant has not been reported in the literature. This variant is reported in 0.00089% of alleles in individuals of European (Non-Finnish) descent in gnomAD. At this time, the clinical significance of this variant is uncertain due to the absence of conclusive functional and genetic evidence.

NM_015557.3(CHD5):c.4620C>T (p.Gly1540=)

Gene: CHD5 (chromodomain helicase DNA binding protein 5; minus strand). Cytogenetic location: 1p36.31.
Variant type: single nucleotide variant.
Coding change: c.4620C>T on transcript NM_015557.3 (MANE Select); coding-DNA position 4620, C replaced by T.
Protein change: p.Gly1540=; no amino-acid change (glycine 1540 retained).
Molecular consequence: synonymous variant.
Genome position (GRCh38, 1-based): chr1:6,124,027, G>A on the plus strand (C>T on the coding strand, the complement: CHD5 is on the minus strand). VCF-style: chr1-6124027-G-A. GRCh37 (hg19) VCF-style: chr1-6184087-G-A.
Identifiers: ClinVar variation 3061628 (VCV003061628.2), dbSNP rs375910064, ClinGen allele CA17151518.
Genomic context (GRCh38, chr1:6,124,027, plus strand): 5'-TGGCAGGAGGTGGGCAGGGCTGGCGGGCACTGGTGTGTTGGGGTCCGAGGAGATCACCTC[G>A]CCCGACTTCTTCCCCTCGGGCCCCTCAGGGATCAAGTCTGGGGTGCTGTACTTCCCGTTG-3'
Protein context (NP_056372.1, residues 1530-1550): IPEGPEGKKS[Gly1540=]EVISSDPNTP